The following is an entry in ClinVar:

ClinVar aggregate classification (germline): Pathogenic. Review status: reviewed by expert panel (3 of 4 stars). 7 submissions from 7 submitters: Pathogenic (1). 6 of the submissions do not count toward it. Last evaluated 2017-03-17.

Conditions:
CFTR-related disorder (CFTR-RD). Also called: CFTR-related condition; CFTR-related disorders. Identifiers: MedGen C5924204, MONDO:7770004.
Bronchiectasis with or without elevated sweat chloride 1 (BESC1). Also called: Cystic Fibrosis-Like Syndrome. Identifiers: Orphanet 60033, MedGen C2749757, MONDO:0008887, OMIM 211400.
Cystic fibrosis (CF). Also called: MUCOVISCIDOSIS. Identifiers: Orphanet 586, MedGen C0010674, MONDO:0009061, OMIM 219700. Disease mechanism: loss of function.

gnomAD v4.1: 2 of 1,610,428 alleles (0.00012%); highest among the groups gnomAD compares: Non-Finnish European, 0.00017%; no homozygotes.

Submissions (7):

CFTR2
Classification: Pathogenic for Cystic fibrosis. Last evaluated: 2017-03-17. Review status: reviewed by expert panel. Criteria: Sosnay PR et al. (Nat Genet 2013). Collection method: research. Allele origin: germline. Affected: yes. Study: CFTR2.

Natera, Inc.
Classification: Pathogenic for CFTR-related disorders. Last evaluated: 2024-11-22. Review status: criteria provided, single submitter. Criteria: Natera Variant Classification Schema (03/2026). Collection method: clinical testing. Allele origin: germline. Not counted in ClinVar's aggregate classification.
Comment: The c.3160C>G variant in CFTR is a missense variant predicted to cause substitution of histidine to aspartic acid at amino acid 1054. This variant is rare in the general population with a frequency below the threshold expected for the associated phenotype(s). This variant has been observed in one or more individuals affected with the associated recessive disease, as either homozygous or compound heterozygous with a second variant (PMID: 28546993, 15463882, 20538955). Computational prediction algorithms indicate this variant is likely to affect gene or protein function. Given the available evidence, this variant is classified as Pathogenic.

Baylor Genetics
Classification: Pathogenic for Bronchiectasis with or without elevated sweat chloride 1. Last evaluated: 2024-01-09. Review status: criteria provided, single submitter. Criteria: ACMG Guidelines, 2015. Collection method: clinical testing. Allele origin: unknown. Not counted in ClinVar's aggregate classification.

Labcorp Genetics (formerly Invitae), Labcorp
Classification: Pathogenic for Cystic fibrosis. Last evaluated: 2022-08-21. Review status: criteria provided, single submitter. Criteria: Invitae Variant Classification Sherloc (09022015). Collection method: clinical testing. Allele origin: germline. Not counted in ClinVar's aggregate classification.
Comment: For these reasons, this variant has been classified as Pathogenic. Experimental studies have shown that this missense change affects CFTR function (PMID: 8662892, 23891399). Algorithms developed to predict the effect of missense changes on protein structure and function are either unavailable or do not agree on the potential impact of this missense change (SIFT: "Tolerated"; PolyPhen-2: "Probably Damaging"; Align-GVGD: "Class C15"). ClinVar contains an entry for this variant (Variation ID: 53667). This missense change has been observed in individual(s) with cystic fibrosis (PMID: 7505690, 16931591, 20538955, 23951356; Invitae). This variant is not present in population databases (gnomAD no frequency). This sequence change replaces histidine, which is basic and polar, with aspartic acid, which is acidic and polar, at codon 1054 of the CFTR protein (p.His1054Asp).

Mendelics
Classification: Pathogenic for Cystic fibrosis. Last evaluated: 2018-11-05. Review status: criteria provided, single submitter. Criteria: Mendelics Assertion Criteria 2017. Collection method: clinical testing. Allele origin: unknown. Affected: yes. Not counted in ClinVar's aggregate classification.

CFTR-France
Classification: Pathogenic for cystic fibrosis. Last evaluated: 2018-01-29. Review status: criteria provided, single submitter. Criteria: Claustres M et al. (Hum Mutat 2017). Collection method: curation. Allele origin: germline. Affected: yes. Not counted in ClinVar's aggregate classification.

Women's Health and Genetics/Laboratory Corporation of America, LabCorp
Classification: Pathogenic. Last evaluated: 2017-09-11. Review status: criteria provided, single submitter. Criteria: LabCorp Variant Classification Summary - May 2015. Collection method: clinical testing. Allele origin: germline. Not counted in ClinVar's aggregate classification.
Comment: Variant summary: The CFTR c.3160C>G (p.His1054Asp) variant located in the ABC transporter type , transmembrane domain involves the alteration of a conserved nucleotide and 5/5 in silico tools predict a damaging outcome for this variant. This variant is absent in 112668 control chromosomes. A functional study, Van Goor_2013, found the variant to have a severe defect in CFTR processing and to have a small but significant response to ivacaftor. Multiple publications have cited the variant in affected compound heterozygote individuals. In addition, a reputable database classifies the variant as "pathogenic." Therefore, the variant of interest has been classified as "pathogenic."

Literature cited by the submitters: PubMed 28546993 (cited by Natera, Inc.); PubMed 15463882 (cited by Natera, Inc. and Women's Health and Genetics/Laboratory Corporation of America, LabCorp); PubMed 20538955 (cited by 3 submitters); PubMed 8662892 (cited by Labcorp Genetics (formerly Invitae), Labcorp); PubMed 23891399 (cited by Labcorp Genetics (formerly Invitae), Labcorp and Women's Health and Genetics/Laboratory Corporation of America, LabCorp); PubMed 7505690 (cited by Labcorp Genetics (formerly Invitae), Labcorp and Women's Health and Genetics/Laboratory Corporation of America, LabCorp); PubMed 16931591 (cited by Labcorp Genetics (formerly Invitae), Labcorp); PubMed 23951356 (cited by Labcorp Genetics (formerly Invitae), Labcorp).

NM_000492.4(CFTR):c.3160C>G (p.His1054Asp)

Genes: CFTR (CF transmembrane conductance regulator; plus strand), CFTR-AS2 (CFTR antisense RNA 2; minus strand), LOC111674472 (DNase I hypersensitive sites in introns 16 and 17a of CFTR; plus strand). Cytogenetic location: 7q31.2.
Variant type: single nucleotide variant.
Coding change: c.3160C>G on transcript NM_000492.4 (MANE Select); coding-DNA position 3160, C replaced by G.
Protein change: p.His1054Asp; replaces histidine 1054 with aspartic acid.
Molecular consequence: missense variant.
Genome position (GRCh38, 1-based): chr7:117,611,601, C>G. VCF-style: chr7-117611601-C-G. GRCh37 (hg19) VCF-style: chr7-117251655-C-G.
Other names: short protein forms H1054D.
Identifiers: ClinVar variation 53667 (VCV000053667.15), dbSNP rs397508510, ClinGen allele CA327070.
Genomic context (GRCh38, chr7:117,611,601, plus strand): 5'-TTATGTTATTTGCAATGTTTTCTATGGAAATATTTCACAGGCAGGAGTCCAATTTTCACT[C>G]ATCTTGTTACAAGCTTAAAAGGACTATGGACACTTCGTGCCTTCGGACGGCAGCCTTACT-3'
Protein context (NP_000483.3, residues 1044-1064): ESEGRSPIFT[His1054Asp]LVTSLKGLWT